The following is an entry in ClinVar:

ClinVar aggregate classification (germline): Uncertain significance (1 of 4 stars; one submission).

Conditions:
Hereditary cancer-predisposing syndrome. Also called: Neoplastic Syndromes, Hereditary; Hereditary Cancer Syndrome; Hereditary neoplastic syndrome; Tumor predisposition. Identifiers: Orphanet 140162, MedGen C0027672, MeSH D009386, MONDO:0015356.

Submission:

Ambry Genetics
Classification: Uncertain significance for Hereditary cancer-predisposing syndrome. Last evaluated: 2023-04-08. Review status: criteria provided, single submitter. Criteria: Ambry Variant Classification Scheme 2023. Collection method: clinical testing. Allele origin: germline.
Comment: The p.Q820L variant (also known as c.2459A>T), located in coding exon 16 of the BRIP1 gene, results from an A to T substitution at nucleotide position 2459. The glutamine at codon 820 is replaced by leucine, an amino acid with dissimilar properties. This amino acid position is conserved. In addition, this alteration is predicted to be deleterious by in silico analysis. Since supporting evidence is limited at this time, the clinical significance of this alteration remains unclear.

NM_032043.3(BRIP1):c.2459A>T (p.Gln820Leu)

Gene: BRIP1 (BRCA1 interacting DNA helicase 1; minus strand). Cytogenetic location: 17q23.2.
Variant type: single nucleotide variant.
Coding change: c.2459A>T on transcript NM_032043.3 (MANE Select); coding-DNA position 2459, A replaced by T.
Protein change: p.Gln820Leu; replaces glutamine 820 with leucine.
Molecular consequence: missense variant.
Genome position (GRCh38, 1-based): chr17:61,715,984, T>A on the plus strand (A>T on the coding strand, the complement: BRIP1 is on the minus strand). VCF-style: chr17-61715984-T-A. GRCh37 (hg19) VCF-style: chr17-59793345-T-A.
Other names: short protein forms Q820L.
Identifiers: ClinVar variation 2564590 (VCV002564590.2), dbSNP rs2144380329, ClinGen allele CA400479517.
Genomic context (GRCh38, chr17:61,715,984, plus strand): 5'-TATTATATTAAATTTCACTCCACTTACCTACCAAGGGCCTGGTTTAAGGCCCTGTATGCT[T>A]GAATTTCATACCACTGACGGCCAGGTAGAAGACCTCTCAATTTTGAATGGTGGTCATTGT-3'
Protein context (NP_114432.2, residues 810-830): LLPGRQWYEI[Gln820Leu]AYRALNQALG